The following is an entry in ClinVar:

NM_014946.4(SPAST):c.1048G>T (p.Ala350Ser)

Gene: SPAST (spastin; plus strand). Cytogenetic location: 2p22.3.
Variant type: single nucleotide variant.
Coding change: c.1048G>T on transcript NM_014946.4 (MANE Select); coding-DNA position 1048, G replaced by T.
Protein change: p.Ala350Ser; replaces alanine 350 with serine.
Molecular consequence: missense variant.
Genome position (GRCh38, 1-based): chr2:32,116,162, G>T. VCF-style: chr2-32116162-G-T. GRCh37 (hg19) VCF-style: chr2-32341231-G-T.
Other names: c.1045G>T, p.Ala349Ser (NM_001363823.2); c.949G>T, p.Ala317Ser (NM_001363875.2); c.952G>T, p.Ala318Ser (NM_001377959.1, NM_199436.2); short protein forms A350S, A317S, A349S, A318S.
Identifiers: ClinVar variation 2052261 (VCV002052261.4), dbSNP rs1553315333, ClinGen allele CA346499707.
Genomic context (GRCh38, chr2:32,116,162, plus strand): 5'-GAGGTCTTGTTTCTTAGTGGAACAGCTGTTAAATTTGATGATATAGCTGGTCAAGACTTG[G>T]CAAAACAAGCATTGCAAGAAATTGTTATTCTTCCTTCTCTGAGGCCTGAGGTAAGAACTT-3'
Protein context (NP_055761.2, residues 340-360): KFDDIAGQDL[Ala350Ser]KQALQEIVIL

ClinVar aggregate classification (germline): Uncertain significance (1 of 4 stars; one submission).

Conditions:
Hereditary spastic paraplegia 4. Also called: Spastic paraplegia 4, autosomal dominant; Spastic Paraplegia 4; Familial spastic paraplegia autosomal dominant 2. Identifiers: Orphanet 100985, MedGen C1866855, MONDO:0008438, OMIM 182601.

Submission:

Labcorp Genetics (formerly Invitae), Labcorp
Classification: Uncertain significance for Hereditary spastic paraplegia 4. Last evaluated: 2021-12-22. Review status: criteria provided, single submitter. Criteria: Invitae Variant Classification Sherloc (09022015). Collection method: clinical testing. Allele origin: germline.
Comment: In summary, the available evidence is currently insufficient to determine the role of this variant in disease. Therefore, it has been classified as a Variant of Uncertain Significance. This variant disrupts the p.Ala350 amino acid residue in SPAST. Other variant(s) that disrupt this residue have been observed in individuals with SPAST-related conditions (PMID: 16240363; Invitae), which suggests that this may be a clinically significant amino acid residue. Advanced modeling of protein sequence and biophysical properties (such as structural, functional, and spatial information, amino acid conservation, physicochemical variation, residue mobility, and thermodynamic stability) performed at Invitae indicates that this missense variant is expected to disrupt SPAST protein function. This variant has not been reported in the literature in individuals affected with SPAST-related conditions. This variant is not present in population databases (gnomAD no frequency). This sequence change replaces alanine, which is neutral and non-polar, with serine, which is neutral and polar, at codon 350 of the SPAST protein (p.Ala350Ser).

Literature cited by the submitters: PubMed 16240363.